The following is an entry in ClinVar:

ClinVar aggregate classification (germline): Uncertain significance (1 of 4 stars; one submission).

Conditions:
Joubert syndrome 21 (JBTS21). Identifiers: MedGen C3810212, MONDO:0014288, OMIM 615636.

Submission:

Labcorp Genetics (formerly Invitae), Labcorp
Classification: Uncertain significance for Joubert syndrome 21. Last evaluated: 2022-06-20. Review status: criteria provided, single submitter. Criteria: Invitae Variant Classification Sherloc (09022015). Collection method: clinical testing. Allele origin: germline.
Comment: In summary, the available evidence is currently insufficient to determine the role of this variant in disease. Therefore, it has been classified as a Variant of Uncertain Significance. This sequence change replaces proline, which is neutral and non-polar, with leucine, which is neutral and non-polar, at codon 958 of the CSPP1 protein (p.Pro958Leu). This variant is not present in population databases (gnomAD no frequency). This variant has not been reported in the literature in individuals affected with CSPP1-related conditions. Algorithms developed to predict the effect of missense changes on protein structure and function are either unavailable or do not agree on the potential impact of this missense change (SIFT: "Deleterious"; PolyPhen-2: "Probably Damaging"; Align-GVGD: "Class C0").

NM_001382391.1(CSPP1):c.2888C>T (p.Pro963Leu)

Gene: CSPP1 (centrosome and spindle pole associated protein 1; plus strand). Cytogenetic location: 8q13.2.
Variant type: single nucleotide variant.
Coding change: c.2888C>T on transcript NM_001382391.1 (MANE Select); coding-DNA position 2888, C replaced by T.
Protein change: p.Pro963Leu; replaces proline 963 with leucine.
Molecular consequence: missense variant.
Genome position (GRCh38, 1-based): chr8:67,172,475, C>T. VCF-style: chr8-67172475-C-T. GRCh37 (hg19) VCF-style: chr8-68084710-C-T.
Other names: c.1838C>T, p.Pro613Leu (NM_001291339.2); c.2807C>T, p.Pro936Leu (NM_001363131.2); c.2693C>T, p.Pro898Leu (NM_001363132.2); c.2612C>T, p.Pro871Leu (NM_001363133.2); c.2954C>T, p.Pro985Leu (NM_001364869.1); c.2774C>T, p.Pro925Leu (NM_001364870.1); c.2873C>T, p.Pro958Leu (NM_024790.7); short protein forms P936L, P985L, P613L, P963L, P925L, P958L, P871L, P898L.
Identifiers: ClinVar variation 1497096 (VCV001497096.8), dbSNP rs781283590, ClinGen allele CA371195391.
Genomic context (GRCh38, chr8:67,172,475, plus strand): 5'-GGAAAAAGGAAAGGAATCCCATGGATATATTTGATATGGCTAGACATCGGTTGCAAGCTC[C>T]TGTCAGAAGACAGTCCCCTAAGGGCTTAGACGCTGCCACTTTTCAGAATGTTCATGATTT-3'
Protein context (NP_001369320.1, residues 953-973): FDMARHRLQA[Pro963Leu]VRRQSPKGLD